The following is an entry in ClinVar:

NM_001317056.2(ATG9B):c.1329C>T (p.Ala443=)

Gene: ATG9B (autophagy related 9B; minus strand). Cytogenetic location: 7q36.1.
Variant type: single nucleotide variant.
Coding change: c.1329C>T on transcript NM_001317056.2 (MANE Select); coding-DNA position 1329, C replaced by T.
Protein change: p.Ala443=; no amino-acid change (alanine 443 retained).
Molecular consequence: synonymous variant. On other transcripts: non-coding transcript variant (1).
Genome position (GRCh38, 1-based): chr7:151,019,009, G>A on the plus strand (C>T on the coding strand, the complement: ATG9B is on the minus strand). VCF-style: chr7-151019009-G-A. GRCh37 (hg19) VCF-style: chr7-150716096-G-A.
Other names: c.1329C>T, p.Ala443= (NM_173681.5).
Identifiers: ClinVar variation 2658172 (VCV002658172.24), dbSNP rs368435711, ClinGen allele CA4568199.

ClinVar aggregate classification (germline): Likely benign (1 of 4 stars; one submission).

Allele frequency attached by ClinVar (database versions not stated): ESP Exome Variant Server 0.00056; gnomAD 0.00178; TOPMed 0.00193; 1000 Genomes Project 0.00240.
gnomAD v4.1: 743 of 1,562,208 alleles (0.048%); highest among the groups gnomAD compares: African/African-American, 0.58%; 1 homozygote.

Submission:

CeGaT Center for Human Genetics Tuebingen
Classification: Likely benign. Last evaluated: 2022-12-01. Review status: criteria provided, single submitter. Criteria: CeGaT Center For Human Genetics Tuebingen Variant Classification Criteria Version 2. Collection method: clinical testing. Allele origin: germline. Affected: yes. Observed: 1 variant allele.
Comment: ATG9B: BP4, BP7